The following is an entry in ClinVar:

ClinVar aggregate classification (germline): Uncertain significance (1 of 4 stars; one submission).

Conditions:
Predisposition to Wilms tumor.

Submission:

St. Jude Molecular Pathology, St. Jude Children's Research Hospital
Classification: Uncertain significance for Predisposition to Wilms tumor. Last evaluated: 2024-06-27. Review status: criteria provided, single submitter. Criteria: St. Jude Assertion Criteria 2020. Collection method: clinical testing. Allele origin: germline.
Comment: The TRIM28 c.1655T>G (p.Ile552Ser) missense change has a maximum subpopulation frequency of 0.01% in gnomAD v2.1.1. The in silico tool REVEL predicts a benign effect on protein function, but to our knowledge this prediction has not been confirmed by functional studies. To our knowledge, this variant has not been reported in individuals with Wilms tumor. In summary, the evidence currently available is insufficient to determine the clinical significance of this variant. It has therefore been classified as of uncertain significance.

NM_005762.3(TRIM28):c.1655T>G (p.Ile552Ser)

Gene: TRIM28 (tripartite motif containing 28; plus strand). Cytogenetic location: 19q13.43.
Variant type: single nucleotide variant.
Coding change: c.1655T>G on transcript NM_005762.3 (MANE Select); coding-DNA position 1655, T replaced by G.
Protein change: p.Ile552Ser; replaces isoleucine 552 with serine.
Molecular consequence: missense variant.
Genome position (GRCh38, 1-based): chr19:58,549,233, T>G. VCF-style: chr19-58549233-T-G. GRCh37 (hg19) VCF-style: chr19-59060600-T-G.
Other names: short protein forms I552S.
Identifiers: ClinVar variation 3377812 (VCV003377812.1).